The following is an entry in ClinVar:

ClinVar aggregate classification (germline): Uncertain significance (1 of 4 stars; one submission).

Conditions:
Inborn genetic diseases. Identifiers: MedGen C0950123, MeSH D030342.

Submission:

Ambry Genetics
Classification: Uncertain significance for Inborn genetic diseases. Last evaluated: 2018-05-04. Review status: criteria provided, single submitter. Criteria: Ambry Variant Classification Scheme 2023. Collection method: clinical testing. Allele origin: germline.
Comment: The p.P276A variant (also known as c.826C>G), located in coding exon 3 of the UBE3A gene, results from a C to G substitution at nucleotide position 826. The proline at codon 276 is replaced by alanine, an amino acid with highly similar properties. This amino acid position is highly conserved in available vertebrate species. In addition, this alteration is predicted to be tolerated by in silico analysis. Since supporting evidence is limited at this time, the clinical significance of this alteration remains unclear.

NM_130839.5(UBE3A):c.886C>G (p.Pro296Ala)

Genes: SNHG14 (small nucleolar RNA host gene 14; plus strand), UBE3A (ubiquitin protein ligase E3A; minus strand). Cytogenetic location: 15q11.2.
Variant type: single nucleotide variant.
Coding change: c.886C>G on transcript NM_130839.5 (MANE Select); coding-DNA position 886, C replaced by G.
Protein change: p.Pro296Ala; replaces proline 296 with alanine.
Molecular consequence: missense variant. On other transcripts: non-coding transcript variant (1), intron variant (2).
Genome position (GRCh38, 1-based): chr15:25,371,288, G>C on the plus strand (C>G on the coding strand, the complement: UBE3A is on the minus strand). VCF-style: chr15-25371288-G-C. GRCh37 (hg19) VCF-style: chr15-25616435-G-C.
Other names: c.895C>G, p.Pro299Ala (NM_000462.5); c.886C>G, p.Pro296Ala (NM_001354505.1, NM_001354538.2, NM_001354545.2); c.826C>G, p.Pro276Ala (NM_001354506.2, NM_001354507.2, NM_001354508.2 and 17 more transcripts); c.709C>G, p.Pro237Ala (NM_001354546.2); c.301+4177C>G (NM_001354551.2); c.361+4177C>G (NM_001354550.2); short protein forms P276A, P296A, P299A, P237A.
Identifiers: ClinVar variation 1762691 (VCV001762691.2), dbSNP rs2552191686, ClinGen allele CA391354850.